The following is an entry in ClinVar:

NM_198578.4(LRRK2):c.1851G>T (p.Lys617Asn)

Gene: LRRK2 (leucine rich repeat kinase 2; plus strand). Cytogenetic location: 12q12.
Variant type: single nucleotide variant.
Coding change: c.1851G>T on transcript NM_198578.4 (MANE Select); coding-DNA position 1851, G replaced by T.
Protein change: p.Lys617Asn; replaces lysine 617 with asparagine.
Molecular consequence: missense variant.
Genome position (GRCh38, 1-based): chr12:40,274,903, G>T. VCF-style: chr12-40274903-G-T. GRCh37 (hg19) VCF-style: chr12-40668705-G-T.
Other names: short protein forms K617N.
Identifiers: ClinVar variation 3229530 (VCV003229530.1), dbSNP rs766365116, ClinGen allele CA384403410.

ClinVar aggregate classification (germline): Uncertain significance (1 of 4 stars; one submission).

Conditions:
Inborn genetic diseases. Identifiers: MedGen C0950123, MeSH D030342.

Submission:

Ambry Genetics
Classification: Uncertain significance for Inborn genetic diseases. Last evaluated: 2024-02-01. Review status: criteria provided, single submitter. Criteria: Ambry Variant Classification Scheme 2023. Collection method: clinical testing. Allele origin: germline.
Comment: The p.K617N variant (also known as c.1851G>T), located in coding exon 16 of the LRRK2 gene, results from a G to T substitution at nucleotide position 1851. The lysine at codon 617 is replaced by asparagine, an amino acid with similar properties. This amino acid position is conserved. In addition, this alteration is predicted to be tolerated by in silico analysis. Based on the available evidence, the clinical significance of this alteration remains unclear.